The following is an entry in ClinVar:

NM_003764.4(STX11):c.*3345T>C

Gene: STX11 (syntaxin 11; plus strand). Cytogenetic location: 6q24.2.
Variant type: single nucleotide variant.
Coding change: c.*3345T>C on transcript NM_003764.4 (MANE Select); 3345 bases downstream of the stop codon, T replaced by C.
Molecular consequence: 3 prime UTR variant.
Genome position (GRCh38, 1-based): chr6:144,190,836, T>C. VCF-style: chr6-144190836-T-C. GRCh37 (hg19) VCF-style: chr6-144511973-T-C.
Other names: c.*3345T>C (LRG_113t1).
Identifiers: ClinVar variation 355651 (VCV000355651.5), dbSNP rs75873182, ClinGen allele CA10626168.

ClinVar aggregate classification (germline): Benign (1 of 4 stars; one submission).

Conditions:
Familial hemophagocytic lymphohistiocytosis 4 (FHL4). Also called: STX11-Related Familial Hemophagocytic Lymphohistiocytosis (STX11-fHLH). Identifiers: Orphanet 540, MedGen C1863728, MONDO:0011336, OMIM 603552.

Allele frequency attached by ClinVar (database versions not stated): gnomAD 0.00930 and 0.01026; TOPMed 0.01067; 1000 Genomes Project 30x 0.02592; 1000 Genomes Project 0.02855.
gnomAD v4.1: 1,558 of 152,292 alleles (1%); highest among the groups gnomAD compares: East Asian, 10%; 44 homozygotes.

Submission:

Illumina Laboratory Services, Illumina
Classification: Benign for Familial hemophagocytic lymphohistiocytosis 4. Last evaluated: 2018-01-13. Review status: criteria provided, single submitter. Criteria: ICSL Variant Classification Criteria 13 December 2019. Collection method: clinical testing. Allele origin: germline.
Comment: This variant was observed in the ICSL laboratory as part of a predisposition screen in an ostensibly healthy population. It had not been previously curated by ICSL or reported in the Human Gene Mutation Database (HGMD: prior to June 1st, 2018), and was therefore a candidate for classification through an automated scoring system. Utilizing variant allele frequency, disease prevalence and penetrance estimates, and inheritance mode, an automated score was calculated to assess if this variant is too frequent to cause the disease. Based on the score and internal cut-off values, a variant classified as benign is not then subjected to further curation. The score for this variant resulted in a classification of benign for this disease.